The following is an entry in ClinVar:

ClinVar aggregate classification (germline): Uncertain significance (1 of 4 stars; one submission).

Allele frequency attached by ClinVar (database versions not stated): TOPMed 0.00001; gnomAD 0.00009.
gnomAD v4.1: 43 of 1,546,916 alleles (0.0028%); highest among the groups gnomAD compares: Non-Finnish European, 0.003%; no homozygotes.

Submission:

Labcorp Genetics (formerly Invitae), Labcorp
Classification: Uncertain significance. Last evaluated: 2022-05-08. Review status: criteria provided, single submitter. Criteria: Invitae Variant Classification Sherloc (09022015). Collection method: clinical testing. Allele origin: germline.
Comment: In summary, the available evidence is currently insufficient to determine the role of this variant in disease. Therefore, it has been classified as a Variant of Uncertain Significance. Experimental studies and prediction algorithms are not available or were not evaluated, and the effect of this variant on mRNA splicing is currently unknown. This variant has not been reported in the literature in individuals affected with RIN2-related conditions. This variant is present in population databases (no rsID available, gnomAD 0.02%). This sequence change falls in intron 1 of the RIN2 gene. It does not directly change the encoded amino acid sequence of the RIN2 protein. The RIN2 gene has multiple clinically relevant transcripts. This variant occurs in alternate transcript NM_001242581.1, and corresponds to NM_018993.3:c.-51T>G in the primary transcript.

NM_018993.4(RIN2):c.-36-15T>G

Gene: RIN2 (Ras and Rab interactor 2; plus strand). Cytogenetic location: 20p11.23.
Variant type: single nucleotide variant.
Coding change: c.-36-15T>G on transcript NM_018993.4 (MANE Select); 15 bases into the intron before 36 bases upstream of the start codon, T replaced by G.
Molecular consequence: intron variant.
Genome position (GRCh38, 1-based): chr20:19,889,551, T>G. VCF-style: chr20-19889551-T-G. GRCh37 (hg19) VCF-style: chr20-19870195-T-G.
Other names: c.-581-15T>G (NM_001378238.1); c.112-15T>G (NM_001242581.2).
Identifiers: ClinVar variation 2179695 (VCV002179695.3), dbSNP rs1278324138, ClinGen allele CA635059072.